The following is an entry in ClinVar:

NC_000003.12:g.(?_38788946)_(38794020_?)del

Gene: SCN10A (sodium voltage-gated channel alpha subunit 10; minus strand). Cytogenetic location: 3p22.2.
Variant type: Deletion.
Identifiers: ClinVar variation 831808 (VCV000831808.5).

ClinVar aggregate classification (germline): Uncertain significance (1 of 4 stars; one submission).

Conditions:
Brugada syndrome. Also called: Sudden unexplained nocturnal death syndrome; Sudden Unexplained Death Syndrome; Sudden Unexplained Nocturnal Death Syndrome (SUNDS); Sudden unexpected nocturnal death syndrome. Identifiers: Orphanet 130, MedGen C1142166, MONDO:0015263.

Submission:

Labcorp Genetics (formerly Invitae), Labcorp
Classification: Uncertain significance for Brugada syndrome. Last evaluated: 2019-01-26. Review status: criteria provided, single submitter. Criteria: Invitae Variant Classification Sherloc (09022015). Collection method: clinical testing. Allele origin: germline.
Comment: In summary, the available evidence is currently insufficient to determine the role of this variant in disease. Therefore, it has been classified as a Variant of Uncertain Significance. The current clinical and genetic evidence is not sufficient to establish whether loss-of-function variants in SCN10A cause disease. This variant has not been reported in the literature in individuals with SCN10A-related conditions. This variant is a gross deletion of the genomic region encompassing exons 1-3 of the SCN10A gene, which includes the initiator codon. The 5' end of this event is unknown as it extends beyond the assayed region for this gene and therefore may encompass additional genes. The 3' boundary is likely confined to intron 3 of the SCN10A gene. This is expected to result in an absent or disrupted protein product.